The following is an entry in ClinVar:

NM_024675.4(PALB2):c.2345C>T (p.Pro782Leu)

Gene: PALB2 (partner and localizer of BRCA2; minus strand). Cytogenetic location: 16p12.2.
Variant type: single nucleotide variant.
Coding change: c.2345C>T on transcript NM_024675.4 (MANE Select); coding-DNA position 2345, C replaced by T.
Protein change: p.Pro782Leu; replaces proline 782 with leucine.
Molecular consequence: missense variant.
Genome position (GRCh38, 1-based): chr16:23,629,809, G>A on the plus strand (C>T on the coding strand, the complement: PALB2 is on the minus strand). VCF-style: chr16-23629809-G-A. GRCh37 (hg19) VCF-style: chr16-23641130-G-A.
Other names: short protein forms P782L.
Identifiers: ClinVar variation 830164 (VCV000830164.12), dbSNP rs772095244, ClinGen allele CA7963589.
Genomic context (GRCh38, chr16:23,629,809, plus strand): 5'-CAGTCACAGGTAGGTTGTCCTTGCCTGCCTGACACTTGCAGGGTGGTATGTGGTTTTGCT[G>A]GGCTGCCTGAACTGTCGAATTGTTTAGTATCACTGGCAAGACAGACTGAGTCTTTCAAAT-3'
Protein context (NP_078951.2, residues 772-792): DTKQFDSSGS[Pro782Leu]AKPHTTLQVS

ClinVar aggregate classification (germline): Conflicting classifications of pathogenicity. Review status: criteria provided, conflicting classifications (1 of 4 stars). 3 submissions from 3 submitters: Uncertain significance (1); Likely benign (1). 1 of the submissions does not count toward it. Last evaluated 2026-01-27.

Conditions:
Hereditary cancer-predisposing syndrome. Also called: Hereditary neoplastic syndrome; Neoplastic Syndromes, Hereditary; Tumor predisposition; Hereditary Cancer Syndrome. Identifiers: Orphanet 140162, MedGen C0027672, MeSH D009386, MONDO:0015356.
Familial cancer of breast. Also called: BREAST CANCER, FAMILIAL; Hereditary breast cancer; hereditary breast carcinoma. Identifiers: Orphanet 227535, MedGen C0346153, MONDO:0016419, OMIM 114480. Disease mechanism: loss of function.

Allele frequency attached by ClinVar (database versions not stated): gnomAD exomes below 0.00001.
gnomAD v4.1: 1 of 1,614,164 alleles (0.000062%); highest among the groups gnomAD compares: Non-Finnish European, 0.000085%; no homozygotes.

Submissions (3):

Labcorp Genetics (formerly Invitae), Labcorp
Classification: Uncertain significance for Familial cancer of breast. Last evaluated: 2026-01-27. Review status: criteria provided, single submitter. Criteria: Invitae Variant Classification Sherloc (09022015). Collection method: clinical testing. Allele origin: germline.
Comment: This sequence change replaces proline, which is neutral and non-polar, with leucine, which is neutral and non-polar, at codon 782 of the PALB2 protein (p.Pro782Leu). This variant is present in population databases (rs772095244, gnomAD 0.0009%). This variant has not been reported in the literature in individuals affected with PALB2-related conditions. ClinVar contains an entry for this variant (Variation ID: 830164). Invitae Evidence Modeling of protein sequence and biophysical properties (such as structural, functional, and spatial information, amino acid conservation, physicochemical variation, residue mobility, and thermodynamic stability) indicates that this missense variant is not expected to disrupt PALB2 protein function with a negative predictive value of 80%. In summary, the available evidence is currently insufficient to determine the role of this variant in disease. Therefore, it has been classified as a Variant of Uncertain Significance.

Ambry Genetics
Classification: Likely benign for Hereditary cancer-predisposing syndrome. Last evaluated: 2025-09-29. Review status: criteria provided, single submitter. Criteria: Ambry Variant Classification Scheme 2023. Collection method: clinical testing. Allele origin: germline.

Leiden Open Variation Database
Classification: Uncertain significance. Last evaluated: 2018-10-10. Review status: no assertion criteria provided. Collection method: curation. Allele origin: germline. Affected: yes. Not counted in ClinVar's aggregate classification.
Comment: Curators: Marc Tischkowitz, Arleen D. Auerbach. Submitter to LOVD: Yukihide Momozawa.

Literature cited by the submitters: PubMed 30287823 (cited by Leiden Open Variation Database).